The following is an entry in ClinVar:

NM_033026.6(PCLO):c.525T>G (p.Pro175=)

Gene: PCLO (piccolo presynaptic cytomatrix protein; minus strand). Cytogenetic location: 7q21.11.
Variant type: single nucleotide variant.
Coding change: c.525T>G on transcript NM_033026.6 (MANE Select); coding-DNA position 525, T replaced by G.
Protein change: p.Pro175=; no amino-acid change (proline 175 retained).
Molecular consequence: synonymous variant.
Genome position (GRCh38, 1-based): chr7:83,156,116, A>C on the plus strand (T>G on the coding strand, the complement: PCLO is on the minus strand). VCF-style: chr7-83156116-A-C. GRCh37 (hg19) VCF-style: chr7-82785432-A-C.
Other names: c.525T>G, p.Pro175= (NM_014510.3).
Identifiers: ClinVar variation 2101692 (VCV002101692.4), dbSNP rs2484906401, ClinGen allele CA456344108.

ClinVar aggregate classification (germline): Uncertain significance (1 of 4 stars; one submission).

Allele frequency attached by ClinVar (database versions not stated): gnomAD exomes below 0.00001.
gnomAD v4.1: 1 of 1,613,740 alleles (0.000062%); highest among the groups gnomAD compares: Non-Finnish European, 0.000085%; no homozygotes.

Submission:

Labcorp Genetics (formerly Invitae), Labcorp
Classification: Uncertain significance. Last evaluated: 2022-02-22. Review status: criteria provided, single submitter. Criteria: Invitae Variant Classification Sherloc (09022015). Collection method: clinical testing. Allele origin: germline.
Comment: This sequence change affects codon 175 of the PCLO mRNA. It is a 'silent' change, meaning that it does not change the encoded amino acid sequence of the PCLO protein. This variant is not present in population databases (gnomAD no frequency). This variant has not been reported in the literature in individuals affected with PCLO-related conditions. Algorithms developed to predict the effect of sequence changes on RNA splicing suggest that this variant may disrupt the consensus splice site. In summary, the available evidence is currently insufficient to determine the role of this variant in disease. Therefore, it has been classified as a Variant of Uncertain Significance.